The following is an entry in ClinVar:

ClinVar aggregate classification (germline): Uncertain significance (1 of 4 stars; one submission).

Conditions:
Spastic paraplegia. Identifiers: MedGen C0037772, HP:0001258.

Allele frequency attached by ClinVar (database versions not stated): gnomAD 0.00002; gnomAD exomes below 0.00001; TOPMed 0.00002.
gnomAD v4.1: 7 of 1,604,552 alleles (0.00044%); highest among the groups gnomAD compares: African/African-American, 0.0013%; no homozygotes.

Submission:

Labcorp Genetics (formerly Invitae), Labcorp
Classification: Uncertain significance for Spastic paraplegia. Last evaluated: 2022-03-20. Review status: criteria provided, single submitter. Criteria: Invitae Variant Classification Sherloc (09022015). Collection method: clinical testing. Allele origin: germline.
Comment: In summary, the available evidence is currently insufficient to determine the role of this variant in disease. Therefore, it has been classified as a Variant of Uncertain Significance. Algorithms developed to predict the effect of sequence changes on RNA splicing suggest that this variant may disrupt the consensus splice site. This variant has not been reported in the literature in individuals affected with SLC33A1-related conditions. The frequency data for this variant in the population databases is considered unreliable, as metrics indicate poor data quality at this position in the gnomAD database. This sequence change affects codon 403 of the SLC33A1 mRNA. It is a 'silent' change, meaning that it does not change the encoded amino acid sequence of the SLC33A1 protein.

NM_004733.4(SLC33A1):c.1209A>G (p.Gln403=)

Gene: SLC33A1 (solute carrier family 33 member 1; minus strand). Cytogenetic location: 3q25.31.
Variant type: single nucleotide variant.
Coding change: c.1209A>G on transcript NM_004733.4 (MANE Select); coding-DNA position 1209, A replaced by G.
Protein change: p.Gln403=; no amino-acid change (glutamine 403 retained).
Molecular consequence: synonymous variant. On other transcripts: intron variant (1).
Genome position (GRCh38, 1-based): chr3:155,833,525, T>C on the plus strand (A>G on the coding strand, the complement: SLC33A1 is on the minus strand). VCF-style: chr3-155833525-T-C. GRCh37 (hg19) VCF-style: chr3-155551314-T-C.
Other names: c.1209A>G, p.Gln403= (NM_001190992.2); c.960+332A>G (NM_001363883.1).
Identifiers: ClinVar variation 2064168 (VCV002064168.4), dbSNP rs199903675, ClinGen allele CA85816461.